The following is an entry in ClinVar:

NM_001376.5(DYNC1H1):c.9331A>G (p.Ser3111Gly)

Genes: DYNC1H1 (dynein cytoplasmic 1 heavy chain 1; plus strand), LOC126862060 (BRD4-independent group 4 enhancer GRCh37_chr14:102493659-102494858; plus strand). Cytogenetic location: 14q32.31.
Variant type: single nucleotide variant.
Coding change: c.9331A>G on transcript NM_001376.5 (MANE Select); coding-DNA position 9331, A replaced by G.
Protein change: p.Ser3111Gly; replaces serine 3111 with glycine.
Molecular consequence: missense variant.
Genome position (GRCh38, 1-based): chr14:102,028,004, A>G. VCF-style: chr14-102028004-A-G. GRCh37 (hg19) VCF-style: chr14-102494341-A-G.
Other names: short protein forms S3111G.
Identifiers: ClinVar variation 694850 (VCV000694850.7), dbSNP rs1595623556, ClinGen allele CA391013599.

ClinVar aggregate classification (germline): Uncertain significance. Review status: criteria provided, multiple submitters, no conflicts (2 of 4 stars). 3 submissions from 3 submitters: Uncertain significance (2). 1 of the submissions does not count toward it. Last evaluated 2024-01-24.

Conditions:
Charcot-Marie-Tooth disease axonal type 2O. Also called: Charcot-Marie-Tooth disease, axonal, type 20; CHARCOT-MARIE-TOOTH NEUROPATHY, AXONAL, TYPE 2O; CHARCOT-MARIE-TOOTH DISEASE, AXONAL, AUTOSOMAL DOMINANT, TYPE 2O; Charcot-Marie-Tooth Neuropathy Type 2O. Identifiers: Orphanet 284232, MedGen C3280220, MONDO:0013644, OMIM 614228.
Charcot-Marie-Tooth disease. Also called: Charcot-Marie-Tooth Neuropathy; Charcot-Marie-Tooth Hereditary Neuropathy. Identifiers: Orphanet 166, MedGen C0007959, MONDO:0015626.

Submissions (3):

Labcorp Genetics (formerly Invitae), Labcorp
Classification: Uncertain significance for Charcot-Marie-Tooth disease axonal type 2O. Last evaluated: 2024-01-24. Review status: criteria provided, single submitter. Criteria: Invitae Variant Classification Sherloc (09022015). Collection method: clinical testing. Allele origin: germline.
Comment: This sequence change replaces serine, which is neutral and polar, with glycine, which is neutral and non-polar, at codon 3111 of the DYNC1H1 protein (p.Ser3111Gly). This variant is not present in population databases (gnomAD no frequency). This variant has not been reported in the literature in individuals affected with DYNC1H1-related conditions. ClinVar contains an entry for this variant (Variation ID: 694850). Advanced modeling of protein sequence and biophysical properties (such as structural, functional, and spatial information, amino acid conservation, physicochemical variation, residue mobility, and thermodynamic stability) performed at Invitae indicates that this missense variant is not expected to disrupt DYNC1H1 protein function with a negative predictive value of 95%. In summary, the available evidence is currently insufficient to determine the role of this variant in disease. Therefore, it has been classified as a Variant of Uncertain Significance.

Institute of Human Genetics, University of Leipzig Medical Center
Classification: Uncertain significance for Charcot-Marie-Tooth disease axonal type 2O. Last evaluated: 2018-05-29. Review status: criteria provided, single submitter. Criteria: ACMG Guidelines, 2015. Collection method: clinical testing. Allele origin: paternal. Inheritance: Autosomal dominant inheritance. Affected: yes.
Comment: Criteria applied: PM2_SUP,PP2

Genesis Genome Database
Classification: Uncertain significance for Charcot-Marie-Tooth disease. Last evaluated: 2019-08-14. Review status: no assertion criteria provided. Collection method: research. Allele origin: germline. Affected: yes. Not counted in ClinVar's aggregate classification.